The following is an entry in ClinVar:

ClinVar aggregate classification (germline): Likely pathogenic (1 of 4 stars; one submission).

Conditions:
alpha Thalassemia. Also called: Alpha thalassemia spectrum. Identifiers: Orphanet 846, MedGen C0002312, MONDO:0011399, OMIM 604131.

Submission:

Natera, Inc.
Classification: Likely pathogenic for Alpha thalassemia. Last evaluated: 2025-10-02. Review status: criteria provided, single submitter. Criteria: Natera Variant Classification Schema (03/2026). Collection method: clinical testing. Allele origin: germline.
Comment: The c.322delG variant in HBA2 is a frameshift variant predicted to shift the reading frame and introduce a stop codon. This variant is expected to result in nonsense mediated decay, truncation, or a dysfunctional protein product. This variant is rare in the general population with a frequency below the threshold expected for the associated phenotype(s). Given the available evidence, this variant is classified as Likely Pathogenic.

NM_000517.6(HBA2):c.322del (p.Leu107_Val108insTer)

Genes: HBA2 (hemoglobin subunit alpha 2; plus strand), LOC106804612 (hemoglobin subunit alpha 2 recombination region; plus strand). Cytogenetic location: 16p13.3.
Variant type: Deletion.
Coding change: c.322del on transcript NM_000517.6 (MANE Select); coding-DNA position 322, one base deleted (G; older notation c.322delG).
Protein change: p.Leu107_Val108insTer.
Molecular consequence: nonsense.
Genome position (GRCh38, 1-based): chr16:173,493, G deleted; the last of 2 consecutive G bases (chr16:173,492-173,493); deleting either gives the same sequence. VCF-style (leftmost placement, unchanged base first): chr16-173491-TG-T. GRCh37 (hg19) VCF-style: chr16-223490-TG-T.
Identifiers: ClinVar variation 4818662 (VCV004818662.1).